The following is an entry in ClinVar:

ClinVar aggregate classification (germline): Likely pathogenic (1 of 4 stars; one submission).

Submission:

GeneDx
Classification: Likely pathogenic. Last evaluated: 2022-02-10. Review status: criteria provided, single submitter. Criteria: GeneDx Variant Classification Process June 2021. Collection method: clinical testing. Allele origin: germline. Affected: yes.
Comment: Not observed at significant frequency in large population cohorts (gnomAD); In silico analysis supports that this missense variant has a deleterious effect on protein structure/function; This variant is associated with the following publications: (PMID: 33105646)

NM_177402.5(SYT2):c.917C>T (p.Ser306Leu)

Gene: SYT2 (synaptotagmin 2; minus strand). Cytogenetic location: 1q32.1.
Variant type: single nucleotide variant.
Coding change: c.917C>T on transcript NM_177402.5 (MANE Select); coding-DNA position 917, C replaced by T.
Protein change: p.Ser306Leu; replaces serine 306 with leucine.
Molecular consequence: missense variant.
Genome position (GRCh38, 1-based): chr1:202,600,359, G>A on the plus strand (C>T on the coding strand, the complement: SYT2 is on the minus strand). VCF-style: chr1-202600359-G-A. GRCh37 (hg19) VCF-style: chr1-202569487-G-A.
Other names: c.917C>T, p.Ser306Leu (NM_001136504.1); short protein forms S306L.
Identifiers: ClinVar variation 1698082 (VCV001698082.2), dbSNP rs2149066990, ClinGen allele CA344256724.
Genomic context (GRCh38, chr1:202,600,359, plus strand): 5'-CTTGGTGCTGACTGGCTCGCTGGTGCCACCCAATGGCAGCCAGAAGCTCTCCACGTACCT[G>A]AAAGGCCGCCCACGTCCATCTTCTTGAGGTTCTTAGCCTCCAGGATGCAGACAGTGAGCT-3'
Protein context (NP_796376.2, residues 296-316): NLKKMDVGGL[Ser306Leu]DPYVKIHLMQ